The following is an entry in ClinVar:

ClinVar aggregate classification (germline): Uncertain significance (1 of 4 stars; one submission).

Conditions:
Hereditary cancer-predisposing syndrome. Also called: Neoplastic Syndromes, Hereditary; Tumor predisposition; Hereditary neoplastic syndrome; Hereditary Cancer Syndrome. Identifiers: Orphanet 140162, MedGen C0027672, MeSH D009386, MONDO:0015356.

Submission:

Ambry Genetics
Classification: Uncertain significance for Hereditary cancer-predisposing syndrome. Last evaluated: 2023-11-03. Review status: criteria provided, single submitter. Criteria: Ambry Variant Classification Scheme 2023. Collection method: clinical testing. Allele origin: germline.
Comment: The p.R333P variant (also known as c.998G>C), located in coding exon 8 of the STK11 gene, results from a G to C substitution at nucleotide position 998. The arginine at codon 333 is replaced by proline, an amino acid with dissimilar properties. This amino acid position is conserved. In addition, the in silico prediction for this alteration is inconclusive. Since supporting evidence is limited at this time, the clinical significance of this alteration remains unclear.

NM_000455.5(STK11):c.998G>C (p.Arg333Pro)

Genes: STK11 (serine/threonine kinase 11; plus strand), LOC130062899 (ATAC-STARR-seq lymphoblastoid active region 13597; plus strand). Cytogenetic location: 19p13.3.
Variant type: single nucleotide variant.
Coding change: c.998G>C on transcript NM_000455.5 (MANE Select); coding-DNA position 998, G replaced by C.
Protein change: p.Arg333Pro; replaces arginine 333 with proline.
Molecular consequence: missense variant. On other transcripts: non-coding transcript variant (1).
Genome position (GRCh38, 1-based): chr19:1,223,062, G>C. VCF-style: chr19-1223062-G-C. GRCh37 (hg19) VCF-style: chr19-1223061-G-C.
Other names: c.998G>C, p.Arg333Pro (NM_001407255.1); short protein forms R333P.
Identifiers: ClinVar variation 3231753 (VCV003231753.1), dbSNP rs587782267, ClinGen allele CA402951661.